The following is an entry in ClinVar:

NM_005359.6(SMAD4):c.723A>G (p.Ala241=)

Gene: SMAD4 (SMAD family member 4; plus strand). Cytogenetic location: 18q21.2.
Variant type: single nucleotide variant.
Coding change: c.723A>G on transcript NM_005359.6 (MANE Select); coding-DNA position 723, A replaced by G.
Protein change: p.Ala241=; no amino-acid change (alanine 241 retained).
Molecular consequence: synonymous variant.
Genome position (GRCh38, 1-based): chr18:51,058,180, A>G. VCF-style: chr18-51058180-A-G. GRCh37 (hg19) VCF-style: chr18-48584550-A-G.
Identifiers: ClinVar variation 826924 (VCV000826924.16), dbSNP rs1599189527, ClinGen allele CA503993861.

ClinVar aggregate classification (germline): Benign/Likely benign. Review status: criteria provided, multiple submitters, no conflicts (2 of 4 stars). 4 submissions from 4 submitters: Benign (1); Likely benign (3). Last evaluated 2025-03-19.

Conditions:
Familial thoracic aortic aneurysm and aortic dissection (TAAD). Also called: Thoracic aortic aneurysms and dissections. Identifiers: Orphanet 91387, MedGen C4707243, MONDO:0019625.
Hereditary cancer-predisposing syndrome. Also called: Neoplastic Syndromes, Hereditary; Hereditary neoplastic syndrome; Hereditary Cancer Syndrome; Tumor predisposition. Identifiers: Orphanet 140162, MedGen C0027672, MeSH D009386, MONDO:0015356.
Juvenile polyposis syndrome (JPS). Identifiers: Orphanet 2929, MedGen C0345893, MONDO:0017380, OMIM 174900.
Juvenile polyposis/hereditary hemorrhagic telangiectasia syndrome (JPHT). Also called: JP/HHT SYNDROME; JUVENILE POLYPOSIS WITH HEREDITARY HEMORRHAGIC TELANGIECTASIA; POLYPOSIS, GENERALIZED JUVENILE, WITH PULMONARY ARTERIOVENOUS MALFORMATION; TELANGIECTASIA, HEREDITARY HEMORRHAGIC, WITH JUVENILE POLYPOSIS COLI; Juvenile Polyposis Syndrome / Hereditary Hemorrhagic Telangiectasia (JPS/HHT). Identifiers: Orphanet 2929, MedGen C1832942, MONDO:0008278, OMIM 175050.

Submissions (4):

Myriad Genetics, Inc.
Classification: Benign for Juvenile polyposis/hereditary hemorrhagic telangiectasia syndrome. Last evaluated: 2025-03-19. Review status: criteria provided, single submitter. Criteria: Myriad Autosomal Dominant, Autosomal Recessive and X-Linked Classification Criteria (2023). Collection method: clinical testing. Allele origin: unknown.
Comment: This variant is considered benign. This variant is a silent/synonymous amino acid change and it is not expected to impact splicing.

Labcorp Genetics (formerly Invitae), Labcorp
Classification: Likely benign for Juvenile polyposis syndrome. Last evaluated: 2024-08-07. Review status: criteria provided, single submitter. Criteria: Invitae Variant Classification Sherloc (09022015). Collection method: clinical testing. Allele origin: germline.

Ambry Genetics
Classification: Likely benign for Hereditary cancer-predisposing syndrome; Familial thoracic aortic aneurysm and aortic dissection. Last evaluated: 2019-07-02. Review status: criteria provided, single submitter. Criteria: Ambry Variant Classification Scheme 2023. Collection method: clinical testing. Allele origin: germline.

Color Diagnostics, LLC DBA Color Health
Classification: Likely benign for Hereditary cancer-predisposing syndrome. Last evaluated: 2018-11-02. Review status: criteria provided, single submitter. Criteria: ACMG Guidelines, 2015. Collection method: clinical testing. Allele origin: germline.